The following is an entry in ClinVar:

NM_000053.4(ATP7B):c.280G>A (p.Glu94Lys)

Gene: ATP7B (ATPase copper transporting beta; minus strand). Cytogenetic location: 13q14.3.
Variant type: single nucleotide variant.
Coding change: c.280G>A on transcript NM_000053.4 (MANE Select); coding-DNA position 280, G replaced by A.
Protein change: p.Glu94Lys; replaces glutamic acid 94 with lysine.
Molecular consequence: missense variant.
Genome position (GRCh38, 1-based): chr13:51,974,940, C>T on the plus strand (G>A on the coding strand, the complement: ATP7B is on the minus strand). VCF-style: chr13-51974940-C-T. GRCh37 (hg19) VCF-style: chr13-52549076-C-T.
Other names: c.280G>A, p.Glu94Lys (NM_001406511.1, NM_001406512.1, NM_001406513.1 and 30 more transcripts); c.184G>A, p.Glu62Lys (NM_001406517.1, NM_001406518.1, NM_001406530.1 and 4 more transcripts); short protein forms E62K, E94K.
Identifiers: ClinVar variation 3070408 (VCV003070408.1), dbSNP rs2547824286, ClinGen allele CA388044664.

ClinVar aggregate classification (germline): Uncertain significance (1 of 4 stars; one submission).

Conditions:
Wilson disease (WND). Also called: Wilson's disease. Identifiers: Orphanet 905, MedGen C0019202, MONDO:0010200, OMIM 277900. Disease mechanism: loss of function.

Submission:

All of Us Research Program, National Institutes of Health
Classification: Uncertain significance for Wilson disease. Last evaluated: 2023-04-10. Review status: criteria provided, single submitter. Criteria: ACMG Guidelines, 2015. Collection method: clinical testing. Allele origin: germline. Inheritance: Autosomal recessive inheritance. Observed: 1 variant allele, 1 heterozygote.
Comment: This missense variant replaces glutamic acid with lysine at codon 94 of the ATP7B protein. Computational prediction is inconclusive regarding the impact of this variant on protein structure and function (internally defined REVEL score threshold 0.5 < inconclusive < 0.7, PMID: 27666373). To our knowledge, functional studies have not been reported for this variant. This variant has not been reported in individuals affected with ATP7B-related disorders in the literature. This variant has not been identified in the general population by the Genome Aggregation Database (gnomAD). The available evidence is insufficient to determine the role of this variant in disease conclusively. Therefore, this variant is classified as a Variant of Uncertain Significance.

This study involves interpretation of variants in research participants for the purpose of population health screening. Participant phenotype was not available at the time of variant classification. Additional details can be found in publication PMID: 35346344, PMCID: PMC8962531